The following is an entry in ClinVar:

NM_006440.5(TXNRD2):c.103+81dup

Genes: TXNRD2 (thioredoxin reductase 2; minus strand), LOC130066960 (ATAC-STARR-seq lymphoblastoid silent region 13467; plus strand). Cytogenetic location: 22q11.21.
Variant type: Duplication.
Coding change: c.103+81dup on transcript NM_006440.5 (MANE Select); 81 bases into the intron after coding-DNA position 103, one base duplicated (C; older notation c.103+81dupC).
Molecular consequence: intron variant.
Genome position (GRCh38, 1-based): chr22:19,941,619, G duplicated on the plus strand (C on the coding strand, the reverse complement: TXNRD2 is on the minus strand); the first of 2 consecutive G bases (chr22:19,941,619-19,941,620); duplicating either gives the same sequence. VCF-style (leftmost placement, unchanged base first): chr22-19941618-T-TG. GRCh37 (hg19) VCF-style: chr22-19929141-T-TG.
Other names: c.103+81dup (NM_001352300.2, NM_001282512.3).
Identifiers: ClinVar variation 679107 (VCV000679107.1), dbSNP rs45511293, ClinGen allele CA322111574.

ClinVar aggregate classification (germline): Benign (1 of 4 stars; one submission).

Submission:

GeneDx
Classification: Benign. Last evaluated: 2018-06-14. Review status: criteria provided, single submitter. Criteria: GeneDx Variant Classification (06012015). Collection method: clinical testing. Allele origin: germline. Affected: yes.
Comment: This variant is considered likely benign or benign based on one or more of the following criteria: it is a conservative change, it occurs at a poorly conserved position in the protein, it is predicted to be benign by multiple in silico algorithms, and/or has population frequency not consistent with disease.